The following is an entry in ClinVar:

ClinVar aggregate classification (germline): Uncertain significance (1 of 4 stars; one submission).

Conditions:
Alpha thalassemia-X-linked intellectual disability syndrome (ATRX). Also called: ALPHA-THALASSEMIA/MENTAL RETARDATION SYNDROME, X-LINKED; ATR, NONDELETION TYPE; ATR-X syndrome; Alpha thalassemia mental retardation syndrome, nondeletion type, X-linked; XLMR hypotonic face syndrome; X-linked alpha-thalassemia-mental retardation syndrome. Identifiers: Orphanet 847, MedGen C1845055, MONDO:0010519, OMIM 301040.

Allele frequency attached by ClinVar (database versions not stated): gnomAD exomes below 0.00001; TOPMed 0.00001.
gnomAD v4.1: 1 of 1,210,299 alleles (0.000083%); highest among the groups gnomAD compares: Non-Finnish European, 0.00011%; no homozygotes.

Submission:

Labcorp Genetics (formerly Invitae), Labcorp
Classification: Uncertain significance for Alpha thalassemia-X-linked intellectual disability syndrome. Last evaluated: 2022-09-25. Review status: criteria provided, single submitter. Criteria: Invitae Variant Classification Sherloc (09022015). Collection method: clinical testing. Allele origin: germline.
Comment: In summary, the available evidence is currently insufficient to determine the role of this variant in disease. Therefore, it has been classified as a Variant of Uncertain Significance. This variant has not been reported in the literature in individuals affected with ATRX-related conditions. This variant is not present in population databases (gnomAD no frequency). This sequence change replaces threonine, which is neutral and polar, with alanine, which is neutral and non-polar, at codon 255 of the ATRX protein (p.Thr255Ala). Advanced modeling of protein sequence and biophysical properties (such as structural, functional, and spatial information, amino acid conservation, physicochemical variation, residue mobility, and thermodynamic stability) performed at Invitae indicates that this missense variant is not expected to disrupt ATRX protein function.

NM_000489.6(ATRX):c.763A>G (p.Thr255Ala)

Gene: ATRX (ATRX chromatin remodeler; minus strand). Cytogenetic location: Xq21.1.
Variant type: single nucleotide variant.
Coding change: c.763A>G on transcript NM_000489.6 (MANE Select); coding-DNA position 763, A replaced by G.
Protein change: p.Thr255Ala; replaces threonine 255 with alanine.
Molecular consequence: missense variant.
Genome position (GRCh38, 1-based): chrX:77,684,493, T>C on the plus strand (A>G on the coding strand, the complement: ATRX is on the minus strand). VCF-style: chrX-77684493-T-C. GRCh37 (hg19) VCF-style: chrX-76939985-T-C.
Other names: c.649A>G, p.Thr217Ala (NM_138270.5); short protein forms T255A, T217A.
Identifiers: ClinVar variation 1975574 (VCV001975574.5), dbSNP rs1210722443, ClinGen allele CA413720720.